The following is an entry in ClinVar:

NM_005529.7(HSPG2):c.12786C>T (p.Leu4262=)

Genes: LDLRAD2 (low density lipoprotein receptor class A domain containing 2; plus strand), HSPG2 (heparan sulfate proteoglycan 2; minus strand). Cytogenetic location: 1p36.12.
Variant type: single nucleotide variant.
Coding change: c.12786C>T on transcript NM_005529.7 (MANE Select); coding-DNA position 12786, C replaced by T.
Protein change: p.Leu4262=; no amino-acid change (leucine 4262 retained).
Molecular consequence: synonymous variant. On other transcripts: 3 prime UTR variant (1).
Genome position (GRCh38, 1-based): chr1:21,824,335, G>A on the plus strand (C>T on the coding strand, the complement: HSPG2 is on the minus strand). VCF-style: chr1-21824335-G-A. GRCh37 (hg19) VCF-style: chr1-22150828-G-A.
Other names: c.12789C>T, p.Leu4263= (NM_001291860.2); c.*2120G>A (NM_001013693.3).
Identifiers: ClinVar variation 295704 (VCV000295704.54), dbSNP rs141936971, ClinGen allele CA669290.

ClinVar aggregate classification (germline): Conflicting classifications of pathogenicity. Review status: criteria provided, conflicting classifications (1 of 4 stars). 8 submissions from 7 submitters: Uncertain significance (2); Benign (1); Likely benign (5). Last evaluated 2026-04-01.

Conditions:
Connective tissue disorder. Also called: Connective tissue disease. Identifiers: MedGen C0009782, MONDO:0003900.
Schwartz-Jampel syndrome. Also called: Myotonic myopathy dwarfism chondrodystrophy and ocular and facial abnormalities. Identifiers: Orphanet 800, MedGen C0036391, MONDO:0009717.
Lethal Kniest-like syndrome (DDSH). Also called: Dyssegmental Dysplasia. Identifiers: Orphanet 1865, MedGen C1857100, MONDO:0009140, OMIM 224410.

Allele frequency attached by ClinVar (database versions not stated): ESP Exome Variant Server 0.00038; gnomAD 0.00056 and 0.00060; ExAC 0.00072; TOPMed 0.00082; gnomAD exomes 0.00086; 1000 Genomes Project 0.00100; 1000 Genomes Project 30x 0.00109.
gnomAD v4.1: 1,332 of 1,613,922 alleles (0.083%); highest among the groups gnomAD compares: Admixed American, 0.31%; 4 homozygotes.

Submissions (8):

CeGaT Center for Human Genetics Tuebingen
Classification: Likely benign. Last evaluated: 2026-04-01. Review status: criteria provided, single submitter. Criteria: CeGaT Center For Human Genetics Tuebingen Variant Classification Criteria Version 2. Collection method: clinical testing. Allele origin: germline. Affected: yes. Observed: 2 variant alleles.
Comment: HSPG2: BP4, BP7

Labcorp Genetics (formerly Invitae), Labcorp
Classification: Likely benign. Last evaluated: 2026-01-12. Review status: criteria provided, single submitter. Criteria: Invitae Variant Classification Sherloc (09022015). Collection method: clinical testing. Allele origin: germline.

ARUP Laboratories, Molecular Genetics and Genomics, ARUP Laboratories
Classification: Likely benign. Last evaluated: 2025-02-07. Review status: criteria provided, single submitter. Criteria: ARUP Molecular Germline Variant Investigation Process 2024. Collection method: clinical testing. Allele origin: germline.

Blueprint Genetics
Classification: Likely benign. Last evaluated: 2024-10-09. Review status: criteria provided, single submitter. Criteria: ACMG Guidelines, 2015. Collection method: clinical testing. Allele origin: germline.

Genome Diagnostics Laboratory, The Hospital for Sick Children
Classification: Likely benign for Connective tissue disorder. Last evaluated: 2021-09-27. Review status: criteria provided, single submitter. Criteria: ACMG Guidelines, 2015. Collection method: clinical testing. Allele origin: germline.

Athena Diagnostics
Classification: Benign. Last evaluated: 2018-05-08. Review status: criteria provided, single submitter. Criteria: Athena Diagnostics Criteria. Collection method: clinical testing. Allele origin: germline.

Illumina Laboratory Services, Illumina
Classification: Uncertain significance for Lethal Kniest-like syndrome. Last evaluated: 2018-01-13. Review status: criteria provided, single submitter. Criteria: ICSL Variant Classification Criteria 13 December 2019. Collection method: clinical testing. Allele origin: germline.

Illumina Laboratory Services, Illumina
Classification: Uncertain significance for Schwartz-Jampel syndrome type 1. Last evaluated: 2018-01-13. Review status: criteria provided, single submitter. Criteria: ICSL Variant Classification Criteria 13 December 2019. Collection method: clinical testing. Allele origin: germline.